The following is an entry in ClinVar:

ClinVar aggregate classification (germline): Likely benign. Review status: criteria provided, multiple submitters, no conflicts (2 of 4 stars). 4 submissions from 4 submitters: Likely benign (4). Last evaluated 2026-02-01.

Conditions:
Long QT syndrome (LQTS). Identifiers: MedGen C0023976, MeSH D008133, MONDO:0002442. Disease mechanism: loss of function. Inheritance: Various modes of inheritance.
Cardiac arrhythmia. Also called: Cardiac rhythm disease; Arrhythmia. Identifiers: MedGen C0003811, MONDO:0007263, HP:0011675.

Allele frequency attached by ClinVar (database versions not stated): TOPMed 0.00002; ExAC 0.00006; gnomAD exomes 0.00007; gnomAD 0.00002.

Submissions (4):

Labcorp Genetics (formerly Invitae), Labcorp
Classification: Likely benign for Long QT syndrome. Last evaluated: 2026-02-01. Review status: criteria provided, single submitter. Criteria: Invitae Variant Classification Sherloc (09022015). Collection method: clinical testing. Allele origin: germline.

Blueprint Genetics
Classification: Likely benign. Last evaluated: 2024-11-27. Review status: criteria provided, single submitter. Criteria: ACMG Guidelines, 2015. Collection method: clinical testing. Allele origin: germline.

GeneDx
Classification: Likely benign. Last evaluated: 2021-02-12. Review status: criteria provided, single submitter. Criteria: GeneDx Variant Classification Process June 2021. Collection method: clinical testing. Allele origin: germline. Affected: yes.
Comment: Has not been previously published as pathogenic or benign to our knowledge; Reported in ClinVar (ClinVar Variant ID# 698353; Landrum et al., 2016)

Color Diagnostics, LLC DBA Color Health
Classification: Likely benign for Arrhythmia. Last evaluated: 2018-11-17. Review status: criteria provided, single submitter. Criteria: ACMG Guidelines, 2015. Collection method: clinical testing. Allele origin: germline.

NM_000238.4(KCNH2):c.3153-10C>A

Gene: KCNH2 (potassium voltage-gated channel subfamily H member 2; minus strand). Cytogenetic location: 7q36.1.
Variant type: single nucleotide variant.
Coding change: c.3153-10C>A on transcript NM_000238.4 (MANE Select); 10 bases into the intron before coding-DNA position 3153, C replaced by A.
Molecular consequence: intron variant.
Genome position (GRCh38, 1-based): chr7:150,947,064, G>T on the plus strand (C>A on the coding strand, the complement: KCNH2 is on the minus strand). VCF-style: chr7-150947064-G-T. GRCh37 (hg19) VCF-style: chr7-150644152-G-T.
Other names: c.2133-10C>A (NM_172057.3).
Identifiers: ClinVar variation 698353 (VCV000698353.18), dbSNP rs781609392, ClinGen allele CA037373.